The following is an entry in ClinVar:

ClinVar aggregate classification (germline): Uncertain significance (1 of 4 stars; one submission).

Submission:

Labcorp Genetics (formerly Invitae), Labcorp
Classification: Uncertain significance. Last evaluated: 2024-11-11. Review status: criteria provided, single submitter. Criteria: Invitae Variant Classification Sherloc (09022015). Collection method: clinical testing. Allele origin: germline.
Comment: This sequence change affects a donor splice site in intron 8 of the MYLK3 gene. It is expected to disrupt RNA splicing. Variants that disrupt the donor or acceptor splice site typically lead to a loss of protein function (PMID: 16199547), however the current clinical and genetic evidence is not sufficient to establish whether loss-of-function variants in MYLK3 cause disease. This variant is not present in population databases (gnomAD no frequency). This variant has not been reported in the literature in individuals affected with MYLK3-related conditions. ClinVar contains an entry for this variant (Variation ID: 2130211). Algorithms developed to predict the effect of sequence changes on RNA splicing suggest that this variant may disrupt the consensus splice site. In summary, the available evidence is currently insufficient to determine the role of this variant in disease. Therefore, it has been classified as a Variant of Uncertain Significance.

Literature cited by the submitters: PubMed 16199547.

NM_182493.3(MYLK3):c.1914+1G>C

Gene: MYLK3 (myosin light chain kinase 3; minus strand). Cytogenetic location: 16q11.2.
Variant type: single nucleotide variant.
Coding change: c.1914+1G>C on transcript NM_182493.3 (MANE Select); the canonical splice donor site of the intron after coding-DNA position 1914, G replaced by C.
Molecular consequence: splice donor variant.
Genome position (GRCh38, 1-based): chr16:46,727,235, C>G on the plus strand (G>C on the coding strand, the complement: MYLK3 is on the minus strand). VCF-style: chr16-46727235-C-G. GRCh37 (hg19) VCF-style: chr16-46761147-C-G.
Other names: c.891+1G>C (NM_001308301.1).
Identifiers: ClinVar variation 2130211 (VCV002130211.4), dbSNP rs2548903679, ClinGen allele CA395789558.
Genomic context (GRCh38, chr16:46,727,235, plus strand): 5'-GAGAGCACGCCAGGAGCTAGGACACCAGGGGCCCCTACCGCATGCCCAGGGCAGAACCCA[C>G]CTTGAGGTCCAGGTGCAGGATGTAGTGCTGGTGCAGGTAATGCACACCCTCACAGATCTG-3'